The following is an entry in ClinVar:

ClinVar aggregate classification (germline): Uncertain significance. Review status: criteria provided, multiple submitters, no conflicts (2 of 4 stars). 3 submissions from 3 submitters: Uncertain significance (3). Last evaluated 2025-10-05.

Submissions (3):

GeneDx
Classification: Uncertain significance. Last evaluated: 2025-10-05. Review status: criteria provided, single submitter. Criteria: GeneDx Variant Classification Process June 2021. Collection method: clinical testing. Allele origin: germline. Affected: yes.
Comment: Not observed at significant frequency in large population cohorts (gnomAD); In silico analysis supports that this missense variant has a deleterious effect on protein structure/function; Has not been previously published as pathogenic or benign to our knowledge

Labcorp Genetics (formerly Invitae), Labcorp
Classification: Uncertain significance. Last evaluated: 2023-05-01. Review status: criteria provided, single submitter. Criteria: Invitae Variant Classification Sherloc (09022015). Collection method: clinical testing. Allele origin: germline.
Comment: This sequence change replaces arginine, which is basic and polar, with cysteine, which is neutral and slightly polar, at codon 500 of the TAF1 protein (p.Arg500Cys). This variant is not present in population databases (gnomAD no frequency). This variant has not been reported in the literature in individuals affected with TAF1-related conditions. An algorithm developed to predict the effect of missense changes on protein structure and function (PolyPhen-2) suggests that this variant is likely to be disruptive. In summary, the available evidence is currently insufficient to determine the role of this variant in disease. Therefore, it has been classified as a Variant of Uncertain Significance.

Blueprint Genetics
Classification: Uncertain significance. Last evaluated: 2021-05-26. Review status: criteria provided, single submitter. Criteria: ACMG Guidelines, 2015. Collection method: clinical testing. Allele origin: germline.

NM_004606.5(TAF1):c.1438C>T (p.Arg480Cys)

Gene: TAF1 (TATA-box binding protein associated factor 1; plus strand). Cytogenetic location: Xq13.1.
Variant type: single nucleotide variant.
Coding change: c.1438C>T on transcript NM_004606.5 (MANE Select); coding-DNA position 1438, C replaced by T.
Protein change: p.Arg480Cys; replaces arginine 480 with cysteine.
Molecular consequence: missense variant. On other transcripts: non-coding transcript variant (9).
Genome position (GRCh38, 1-based): chrX:71,381,820, C>T. VCF-style: chrX-71381820-C-T. GRCh37 (hg19) VCF-style: chrX-70601670-C-T.
Other names: c.1438C>T, p.Arg480Cys (NM_001286074.2); c.1375C>T, p.Arg459Cys (NM_138923.4); short protein forms R480C, R459C.
Identifiers: ClinVar variation 2752081 (VCV002752081.5), dbSNP rs2033907956, ClinGen allele CA413512772.